The following is an entry in ClinVar:

ClinVar aggregate classification (germline): Uncertain significance. Review status: criteria provided, multiple submitters, no conflicts (2 of 4 stars). 2 submissions from 2 submitters: Uncertain significance (2). Last evaluated 2025-09-01.

Allele frequency attached by ClinVar (database versions not stated): TOPMed below 0.00001; gnomAD 0.00001; gnomAD exomes 0.00001.

Submissions (2):

Ambry Genetics
Classification: Uncertain significance. Last evaluated: 2025-09-01. Review status: criteria provided, single submitter. Criteria: Ambry Variant Classification Scheme 2023. Collection method: clinical testing. Allele origin: germline.

Labcorp Genetics (formerly Invitae), Labcorp
Classification: Uncertain significance. Last evaluated: 2024-09-08. Review status: criteria provided, single submitter. Criteria: Invitae Variant Classification Sherloc (09022015). Collection method: clinical testing. Allele origin: germline.
Comment: This sequence change replaces proline, which is neutral and non-polar, with serine, which is neutral and polar, at codon 262 of the IRF2BP2 protein (p.Pro262Ser). This variant is present in population databases (no rsID available, gnomAD 0.007%). This variant has not been reported in the literature in individuals affected with IRF2BP2-related conditions. An algorithm developed to predict the effect of missense changes on protein structure and function (PolyPhen-2) suggests that this variant is likely to be tolerated. In summary, the available evidence is currently insufficient to determine the role of this variant in disease. Therefore, it has been classified as a Variant of Uncertain Significance.

NM_182972.3(IRF2BP2):c.784C>T (p.Pro262Ser)

Gene: IRF2BP2 (interferon regulatory factor 2 binding protein 2; minus strand). Cytogenetic location: 1q42.3.
Variant type: single nucleotide variant.
Coding change: c.784C>T on transcript NM_182972.3 (MANE Select); coding-DNA position 784, C replaced by T.
Protein change: p.Pro262Ser; replaces proline 262 with serine.
Molecular consequence: missense variant.
Genome position (GRCh38, 1-based): chr1:234,608,711, G>A on the plus strand (C>T on the coding strand, the complement: IRF2BP2 is on the minus strand). VCF-style: chr1-234608711-G-A. GRCh37 (hg19) VCF-style: chr1-234744457-G-A.
Other names: c.784C>T (NM_182972.2); c.784C>T, p.Pro262Ser (NM_001077397.1); short protein forms P262S.
Identifiers: ClinVar variation 2993703 (VCV002993703.4), dbSNP rs1026768613, ClinGen allele CA39546302.
Genomic context (GRCh38, chr1:234,608,711, plus strand): 5'-GCTCGGCGGCCCCGGCCGCGGTGGACAGGCTGTCGGCCGGGCCCCGGTGCGCAGGCGGCG[G>A]CGGTTGTTTCTCCTTGGCTGCCGCCTCACGCTGCTCGTGCTCCACGGCAGCGCTGCTCGA-3'
Protein context (NP_892017.2, residues 252-272): REAAAKEKQP[Pro262Ser]PPAHRGPADS